The following is an entry in ClinVar:

NM_017617.5(NOTCH1):c.6944A>T (p.Gln2315Leu)

Gene: NOTCH1 (notch receptor 1; minus strand). Cytogenetic location: 9q34.3.
Variant type: single nucleotide variant.
Coding change: c.6944A>T on transcript NM_017617.5 (MANE Select); coding-DNA position 6944, A replaced by T.
Protein change: p.Gln2315Leu; replaces glutamine 2315 with leucine.
Molecular consequence: missense variant.
Genome position (GRCh38, 1-based): chr9:136,496,795, T>A on the plus strand (A>T on the coding strand, the complement: NOTCH1 is on the minus strand). VCF-style: chr9-136496795-T-A. GRCh37 (hg19) VCF-style: chr9-139391247-T-A.
Other names: short protein forms Q2315L.
Identifiers: ClinVar variation 3300476 (VCV003300476.1).

ClinVar aggregate classification (germline): Uncertain significance (1 of 4 stars; one submission).

Conditions:
Familial thoracic aortic aneurysm and aortic dissection (TAAD). Also called: Thoracic aortic aneurysms and dissections. Identifiers: Orphanet 91387, MedGen C4707243, MONDO:0019625.

gnomAD v4.1: 1 of 1,612,926 alleles (0.000062%); highest among the groups gnomAD compares: Non-Finnish European, 0.000085%; no homozygotes.

Submission:

Ambry Genetics
Classification: Uncertain significance for Familial thoracic aortic aneurysm and aortic dissection. Last evaluated: 2024-06-11. Review status: criteria provided, single submitter. Criteria: Ambry Variant Classification Scheme 2023. Collection method: clinical testing. Allele origin: germline.
Comment: The p.Q2315L variant (also known as c.6944A>T), located in coding exon 34 of the NOTCH1 gene, results from an A to T substitution at nucleotide position 6944. The glutamine at codon 2315 is replaced by leucine, an amino acid with dissimilar properties. This amino acid position is conserved. In addition, the in silico prediction for this alteration is inconclusive. Based on the available evidence, the clinical significance of this variant remains unclear.